The following is an entry in ClinVar:

NM_000138.5(FBN1):c.5311C>T (p.Arg1771Trp)

Gene: FBN1 (fibrillin 1; minus strand). Cytogenetic location: 15q21.1.
Variant type: single nucleotide variant.
Coding change: c.5311C>T on transcript NM_000138.5 (MANE Select); coding-DNA position 5311, C replaced by T.
Protein change: p.Arg1771Trp; replaces arginine 1771 with tryptophan.
Molecular consequence: missense variant.
Genome position (GRCh38, 1-based): chr15:48,456,748, G>A on the plus strand (C>T on the coding strand, the complement: FBN1 is on the minus strand). VCF-style: chr15-48456748-G-A. GRCh37 (hg19) VCF-style: chr15-48748945-G-A.
Other names: short protein forms R1771W.
Identifiers: ClinVar variation 918678 (VCV000918678.21), dbSNP rs767884599, ClinGen allele CA054691.

ClinVar aggregate classification (germline): Uncertain significance. Review status: criteria provided, multiple submitters, no conflicts (2 of 4 stars). 6 submissions from 6 submitters: Uncertain significance (6). Last evaluated 2025-11-12.

Conditions:
Marfan syndrome (MFS). Also called: Marfan syndrome, classic; Marfan syndrome type 1; Marfan's syndrome; FBN1-Related Marfan Syndrome; MARFAN SYNDROME, TYPE I. Identifiers: Orphanet 284963, Orphanet 558, MedGen C0024796, MONDO:0007947, OMIM 154700.
Weill-Marchesani syndrome 2, dominant. Also called: FBN1-Related Weill-Marchesani Syndrome; Weill-Marchesani Syndrome, Autosomal Dominant. Identifiers: Orphanet 2084, MedGen C1869115, MONDO:0012013, OMIM 608328.
Progeroid and marfanoid aspect-lipodystrophy syndrome. Also called: MARFANOID-PROGEROID SYNDROME; MARFAN-PROGEROID-LIPODYSTROPHY SYNDROME; Marfan lipodystrophy syndrome; MARFANOID-PROGEROID-LIPODYSTROPHY SYNDROME. Identifiers: Orphanet 300382, MedGen C4310796, MONDO:0014831, OMIM 616914.
Acromicric dysplasia (ACMICD). Also called: Acromicric skeletal dysplasia. Identifiers: Orphanet 969, MedGen C0265287, MONDO:0007055, OMIM 102370.
Ectopia lentis 1, isolated, autosomal dominant (ECTOL1). Identifiers: Orphanet 1885, MedGen C3541518, MONDO:0007514, OMIM 129600.
Geleophysic dysplasia 2 (GPHYSD2). Identifiers: Orphanet 2623, MedGen C3280054, MONDO:0013612, OMIM 614185.
MASS syndrome (OCTD). Also called: OVERLAP CONNECTIVE TISSUE DISEASE; MASS PHENOTYPE. Identifiers: MedGen C1858556, MONDO:0011431, OMIM 604308.
Stiff skin syndrome (SSKS). Identifiers: Orphanet 2833, MedGen C1861456, MONDO:0008492, OMIM 184900.
Familial thoracic aortic aneurysm and aortic dissection (TAAD). Also called: Thoracic aortic aneurysms and dissections. Identifiers: Orphanet 91387, MedGen C4707243, MONDO:0019625.

Allele frequency attached by ClinVar (database versions not stated): TOPMed 0.00002; gnomAD 0.00003; ExAC 0.00002; gnomAD exomes 0.00002.
gnomAD v4.1: 33 of 1,613,224 alleles (0.002%); highest among the groups gnomAD compares: African/African-American, 0.004%; no homozygotes.

Submissions (6):

Ambry Genetics
Classification: Uncertain significance for Familial thoracic aortic aneurysm and aortic dissection. Last evaluated: 2025-11-12. Review status: criteria provided, single submitter. Criteria: Ambry Variant Classification Scheme 2023. Collection method: clinical testing. Allele origin: germline.
Comment: The p.R1771W variant (also known as c.5311C>T), located in coding exon 43 of the FBN1 gene, results from a C to T substitution at nucleotide position 5311. The arginine at codon 1771 is replaced by tryptophan, an amino acid with dissimilar properties. This variant was reported in individual(s) with features consistent with aortic aneurysm or dissection (Ambry internal data). This amino acid position is well conserved in available vertebrate species. In addition, this alteration is predicted to be deleterious by in silico analysis. Based on the available evidence, the clinical significance of this variant remains unclear.

Labcorp Genetics (formerly Invitae), Labcorp
Classification: Uncertain significance for Marfan syndrome; Familial thoracic aortic aneurysm and aortic dissection. Last evaluated: 2025-10-21. Review status: criteria provided, single submitter. Criteria: Invitae Variant Classification Sherloc (09022015). Collection method: clinical testing. Allele origin: germline.
Comment: This sequence change replaces arginine, which is basic and polar, with tryptophan, which is neutral and slightly polar, at codon 1771 of the FBN1 protein (p.Arg1771Trp). This variant is present in population databases (rs767884599, gnomAD 0.004%). This missense change has been observed in individual(s) with skeletal and/or connective tissue abnormalities (PMID: 34008892). ClinVar contains an entry for this variant (Variation ID: 918678). Invitae Evidence Modeling of protein sequence and biophysical properties (such as structural, functional, and spatial information, amino acid conservation, physicochemical variation, residue mobility, and thermodynamic stability) indicates that this missense variant is expected to disrupt FBN1 protein function with a positive predictive value of 80%. In summary, the available evidence is currently insufficient to determine the role of this variant in disease. Therefore, it has been classified as a Variant of Uncertain Significance.

All of Us Research Program, National Institutes of Health
Classification: Uncertain significance for Marfan syndrome. Last evaluated: 2023-12-18. Review status: criteria provided, single submitter. Criteria: ACMG Guidelines, 2015. Collection method: clinical testing. Allele origin: germline. Inheritance: Autosomal dominant inheritance. Observed: 3 variant alleles, 3 heterozygotes.
Comment: This missense variant replaces arginine with tryptophan at codon 1771 of the FBN1 protein. Computational prediction is inconclusive regarding the impact of this variant on protein structure and function (internally defined REVEL score threshold 0.5 < inconclusive < 0.7, PMID: 27666373). To our knowledge, functional studies have not been reported for this variant. This variant has not been reported in individuals affected with cardiovascular disorders in the literature. This variant has been identified in 5/282186 chromosomes in the general population by the Genome Aggregation Database (gnomAD). The available evidence is insufficient to determine the role of this variant in disease conclusively. Therefore, this variant is classified as a Variant of Uncertain Significance.

This study involves interpretation of variants in research participants for the purpose of population health screening. Participant phenotype was not available at the time of variant classification. Additional details can be found in publication PMID: 35346344, PMCID: PMC8962531

Color Diagnostics, LLC DBA Color Health
Classification: Uncertain significance for Familial thoracic aortic aneurysm and aortic dissection. Last evaluated: 2023-11-03. Review status: criteria provided, single submitter. Criteria: ACMG Guidelines, 2015. Collection method: clinical testing. Allele origin: germline.
Comment: This missense variant replaces arginine with tryptophan at codon 1771 of the FBN1 protein. Computational prediction is inconclusive regarding the impact of this variant on protein structure and function (internally defined REVEL score threshold 0.5 < inconclusive < 0.7, PMID: 27666373). To our knowledge, functional studies have not been reported for this variant. This variant has not been reported in individuals affected with cardiovascular disorders in the literature. This variant has been identified in 5/282186 chromosomes in the general population by the Genome Aggregation Database (gnomAD). The available evidence is insufficient to determine the role of this variant in disease conclusively. Therefore, this variant is classified as a Variant of Uncertain Significance.

Laboratory of Medical Genetics, National & Kapodistrian University of Athens
Classification: Uncertain significance for Marfan syndrome. Last evaluated: 2021-10-06. Review status: criteria provided, single submitter. Criteria: ACMG Guidelines, 2015. Collection method: clinical testing. Allele origin: unknown.
Comment: PM1, PM2, PP2, PP3

Fulgent Genetics
Classification: Uncertain significance for Acromicric dysplasia; Ectopia lentis 1, isolated, autosomal dominant; Marfan syndrome; Stiff skin syndrome; MASS syndrome; Weill-Marchesani syndrome 2, dominant; Geleophysic dysplasia 2; Progeroid and marfanoid aspect-lipodystrophy syndrome. Last evaluated: 2021-09-16. Review status: criteria provided, single submitter. Criteria: ACMG Guidelines, 2015. Collection method: clinical testing. Allele origin: unknown.

Literature cited by the submitters: PubMed 34008892 (cited by Labcorp Genetics (formerly Invitae), Labcorp).